The following is an entry in ClinVar:

NM_004700.4(KCNQ4):c.208G>A (p.Gly70Ser)

Gene: KCNQ4 (potassium voltage-gated channel subfamily Q member 4; plus strand). Cytogenetic location: 1p34.2.
Variant type: single nucleotide variant.
Coding change: c.208G>A on transcript NM_004700.4 (MANE Select); coding-DNA position 208, G replaced by A.
Protein change: p.Gly70Ser; replaces glycine 70 with serine.
Molecular consequence: missense variant.
Genome position (GRCh38, 1-based): chr1:40,784,301, G>A. VCF-style: chr1-40784301-G-A. GRCh37 (hg19) VCF-style: chr1-41249973-G-A.
Other names: c.208G>A, p.Gly70Ser (NM_172163.3); short protein forms G70S.
Identifiers: ClinVar variation 1719808 (VCV001719808.5), dbSNP rs749439118, ClinGen allele CA339885266.
Genomic context (GRCh38, chr1:40,784,301, plus strand): 5'-AGCCCCCTGCCGCCGGGCGCGCCCCTCCCTGGGCCGGGCTCCGGCTCGGGCTCCGCCTGC[G>A]GCCAGCGCTCCTCGGCCGCGCACAAGCGCTACCGCCGCCTGCAGAACTGGGTCTACAACG-3'
Protein context (NP_004691.2, residues 60-80): GPGSGSGSAC[Gly70Ser]QRSSAAHKRY

ClinVar aggregate classification (germline): Uncertain significance (1 of 4 stars; one submission).

gnomAD v4.1: 1 of 1,596,716 alleles (0.000063%); highest among the groups gnomAD compares: South Asian, 0.0011%; no homozygotes.

Submission:

Labcorp Genetics (formerly Invitae), Labcorp
Classification: Uncertain significance. Last evaluated: 2022-09-20. Review status: criteria provided, single submitter. Criteria: Invitae Variant Classification Sherloc (09022015). Collection method: clinical testing. Allele origin: germline.
Comment: In summary, the available evidence is currently insufficient to determine the role of this variant in disease. Therefore, it has been classified as a Variant of Uncertain Significance. Advanced modeling of protein sequence and biophysical properties (such as structural, functional, and spatial information, amino acid conservation, physicochemical variation, residue mobility, and thermodynamic stability) performed at Invitae indicates that this missense variant is not expected to disrupt KCNQ4 protein function. This variant has not been reported in the literature in individuals affected with KCNQ4-related conditions. This variant is not present in population databases (gnomAD no frequency). This sequence change replaces glycine, which is neutral and non-polar, with serine, which is neutral and polar, at codon 70 of the KCNQ4 protein (p.Gly70Ser).